The following is an entry in ClinVar:

NM_177924.5(ASAH1):c.219A>G (p.Leu73=)

Gene: ASAH1 (N-acylsphingosine amidohydrolase 1; minus strand). Cytogenetic location: 8p22.
Variant type: single nucleotide variant.
Coding change: c.219A>G on transcript NM_177924.5 (MANE Select); coding-DNA position 219, A replaced by G.
Protein change: p.Leu73=; no amino-acid change (leucine 73 retained).
Molecular consequence: synonymous variant. On other transcripts: intron variant (1).
Genome position (GRCh38, 1-based): chr8:18,069,876, T>C on the plus strand (A>G on the coding strand, the complement: ASAH1 is on the minus strand). VCF-style: chr8-18069876-T-C. GRCh37 (hg19) VCF-style: chr8-17927385-T-C.
Other names: c.24A>G, p.Leu8= (NM_001363743.2); c.267A>G, p.Leu89= (NM_004315.6); c.285+1424A>G (NM_001127505.3).
Identifiers: ClinVar variation 917670 (VCV000917670.8), dbSNP rs141785977, ClinGen allele CA4650957.

ClinVar aggregate classification (germline): Conflicting classifications of pathogenicity. Review status: criteria provided, conflicting classifications (1 of 4 stars). 2 submissions from 2 submitters: Uncertain significance (1); Likely benign (1). Last evaluated 2025-10-29.

Allele frequency attached by ClinVar (database versions not stated): gnomAD exomes 0.00001 and 0.00002; ExAC 0.00002; TOPMed 0.00008; gnomAD 0.00011; 1000 Genomes Project 30x 0.00016; 1000 Genomes Project 0.00020; ESP Exome Variant Server 0.00023.
gnomAD v4.1: 27 of 1,573,296 alleles (0.0017%); highest among the groups gnomAD compares: African/African-American, 0.032%; no homozygotes.

Submissions (3):

Women's Health and Genetics/Laboratory Corporation of America, LabCorp
Classification: Uncertain significance. Last evaluated: 2025-10-29. Review status: criteria provided, single submitter. Criteria: LabCorp Variant Classification Summary - May 2015. Collection method: clinical testing. Allele origin: germline.
Comment: Variant summary: ASAH1 c.219A>G (p.Leu73Leu) alters a non-conserved nucleotide located close to a canonical splice site and therefore could affect mRNA splicing, leading to a significantly altered protein sequence. Consensus agreement among computation tools predict no significant impact on normal splicing. However, these predictions have yet to be confirmed by functional studies. The variant allele was found at a frequency of 2.4e-05 in 246158 control chromosomes. The available data on variant occurrences in the general population are insufficient to allow any conclusion about variant significance. To our knowledge, no occurrence of c.219A>G in individuals affected with ASAH1-related conditions and no experimental evidence demonstrating its impact on protein function have been reported. ClinVar contains an entry for this variant (Variation ID: 917670). Based on the evidence outlined above, the variant was classified as uncertain significance.

Labcorp Genetics (formerly Invitae), Labcorp
Classification: Likely benign. Last evaluated: 2025-08-18. Review status: criteria provided, single submitter. Criteria: Invitae Variant Classification Sherloc (09022015). Collection method: clinical testing. Allele origin: germline.

Dr. Peter K. Rogan Lab, Western University
No classification provided (evidence only). Condition: Lung cancer. Review status: no classification provided. Collection method: in vitro. Allele origin: not applicable. Functional consequence: retained intron. Not counted in ClinVar's aggregate classification.